The following is an entry in ClinVar:

NM_002230.4(JUP):c.596T>A (p.Leu199Gln)

Gene: JUP (junction plakoglobin; minus strand). Cytogenetic location: 17q21.2.
Variant type: single nucleotide variant.
Coding change: c.596T>A on transcript NM_002230.4 (MANE Select); coding-DNA position 596, T replaced by A.
Protein change: p.Leu199Gln; replaces leucine 199 with glutamine.
Molecular consequence: missense variant.
Genome position (GRCh38, 1-based): chr17:41,769,080, A>T on the plus strand (T>A on the coding strand, the complement: JUP is on the minus strand). VCF-style: chr17-41769080-A-T. GRCh37 (hg19) VCF-style: chr17-39925332-A-T.
Other names: c.596T>A, p.Leu199Gln (NM_001352773.2, NM_001352774.2, NM_001352775.2 and 3 more transcripts); short protein forms L199Q.
Identifiers: ClinVar variation 4785518 (VCV004785518.1).
Genomic context (GRCh38, chr17:41,769,080, plus strand): 5'-AGCCCCTCCCGGTGGTGGGAGAGGTTGTGCAGGATGCTGGTGGTGCAGCGGGCTGTGTCC[A>T]GGTCGCTGGTATTCTGCATGGTACGCACGACAGCGGCCACCAGCTGGGGCGAGCCCATCA-3'
Protein context (NP_002221.1, residues 189-209): VVRTMQNTSD[Leu199Gln]DTARCTTSIL

ClinVar aggregate classification (germline): Uncertain significance (1 of 4 stars; one submission).

Conditions:
Arrhythmogenic right ventricular dysplasia 12. Also called: ARRHYTHMOGENIC RIGHT VENTRICULAR DYSPLASIA, FAMILIAL, 12. Identifiers: MedGen C1969081, MONDO:0012684, OMIM 611528.
Naxos disease (NXD). Also called: WOOLLY HAIR, PALMOPLANTAR KERATODERMA, AND CARDIAC ABNORMALITIES; KERATOSIS PALMOPLANTARIS WITH ARRHYTHMOGENIC CARDIOMYOPATHY; MAL DE NAXOS; PALMOPLANTAR KERATODERMA WITH ARRHYTHMOGENIC RIGHT VENTRICULAR CARDIOMYOPATHY AND WOOLLY HAIR; CARDIOMYOPATHY, ARRHYTHMOGENIC RIGHT VENTRICULAR, WITH SKIN, HAIR, AND NAIL ABNORMALITIES. Identifiers: Orphanet 34217, MedGen C1832600, MONDO:0011017, OMIM 601214.

gnomAD v4.1: 2 of 1,613,334 alleles (0.00012%); highest among the groups gnomAD compares: South Asian, 0.0011%; no homozygotes.

Submission:

Labcorp Genetics (formerly Invitae), Labcorp
Classification: Uncertain significance for Arrhythmogenic right ventricular dysplasia 12; Naxos disease. Last evaluated: 2025-07-09. Review status: criteria provided, single submitter. Criteria: Invitae Variant Classification Sherloc (09022015). Collection method: clinical testing. Allele origin: germline.
Comment: This sequence change replaces leucine, which is neutral and non-polar, with glutamine, which is neutral and polar, at codon 199 of the JUP protein (p.Leu199Gln). This variant is not present in population databases (gnomAD no frequency). This variant has not been reported in the literature in individuals affected with JUP-related conditions. An algorithm developed to predict the effect of missense changes on protein structure and function (PolyPhen-2) suggests that this variant is likely to be tolerated. In summary, the available evidence is currently insufficient to determine the role of this variant in disease. Therefore, it has been classified as a Variant of Uncertain Significance.